The following is an entry in ClinVar:

NM_152594.3(SPRED1):c.24_25dup (p.Asp9fs)

Gene: SPRED1 (sprouty related EVH1 domain containing 1; plus strand). Cytogenetic location: 15q14.
Variant type: Duplication.
Coding change: c.24_25dup on transcript NM_152594.3 (MANE Select); coding-DNA positions 24 to 25, 2 bases duplicated (TG; older notation c.24_25dupTG).
Protein change: p.Asp9fs; shifts the reading frame from aspartic acid 9.
Molecular consequence: frameshift variant.
Genome position (GRCh38, 1-based): chr15:38,253,209-38,253,210, TG duplicated. VCF-style (leftmost placement, unchanged base first): chr15-38253208-C-CTG. GRCh37 (hg19) VCF-style: chr15-38545409-C-CTG.
Other names: short protein forms D9fs.
Identifiers: ClinVar variation 1676445 (VCV001676445.3), dbSNP rs2140943428, ClinGen allele CA2573150666.
Genomic context (GRCh38, chr15:38,253,208, plus strand): 5'-GCTCCTCCATCTCCAGATCGGATCACGGTGAGGGAAAGATGAGCGAGGAGACGGCGACTT[C>CTG]TGACAACGAGTAAGCGCCTCATTGATCTCGATTGCTAATCCCCCTCCCCCTATCCGCCCT-3'

ClinVar aggregate classification (germline): Likely pathogenic (1 of 4 stars; one submission).

Conditions:
Legius syndrome. Identifiers: Orphanet 137605, MedGen C1969623, MONDO:0012669, OMIM 611431. Disease mechanism: loss of function.

Submission:

Greenwood Genetic Center Diagnostic Laboratories, Greenwood Genetic Center
Classification: Likely pathogenic for Legius syndrome. Last evaluated: 2022-02-17. Review status: criteria provided, single submitter. Criteria: ACMG Guidelines, 2015. Collection method: clinical testing. Allele origin: germline. Affected: yes.
Comment: PVS1, PM2